The following is an entry in ClinVar:

NM_015378.4(VPS13D):c.10774T>G (p.Phe3592Val)

Gene: VPS13D (vacuolar protein sorting 13 homolog D; plus strand). Cytogenetic location: 1p36.22.
Variant type: single nucleotide variant.
Coding change: c.10774T>G on transcript NM_015378.4 (MANE Select); coding-DNA position 10774, T replaced by G.
Protein change: p.Phe3592Val; replaces phenylalanine 3592 with valine.
Molecular consequence: missense variant.
Genome position (GRCh38, 1-based): chr1:12,369,668, T>G. VCF-style: chr1-12369668-T-G. GRCh37 (hg19) VCF-style: chr1-12429723-T-G.
Other names: c.10699T>G, p.Phe3567Val (NM_018156.4); short protein forms F3567V, F3592V.
Identifiers: ClinVar variation 2095048 (VCV002095048.4), dbSNP rs2524443515, ClinGen allele CA338498788.
Genomic context (GRCh38, chr1:12,369,668, plus strand): 5'-TCTGAGATCAACTGCAACATGAATGATTTCCAGGATAATCGGCAGCTTTATTATGAAAAT[T>G]TCATTTACATTGCTGCTACATATACATTCTCTGGGTAATTCTTGATTAAATTACTGTTCC-3'
Protein context (NP_056193.2, residues 3582-3602): QDNRQLYYEN[Phe3592Val]IYIAATYTFS

ClinVar aggregate classification (germline): Uncertain significance (1 of 4 stars; one submission).

Submission:

Labcorp Genetics (formerly Invitae), Labcorp
Classification: Uncertain significance. Last evaluated: 2022-02-19. Review status: criteria provided, single submitter. Criteria: Invitae Variant Classification Sherloc (09022015). Collection method: clinical testing. Allele origin: germline.
Comment: In summary, the available evidence is currently insufficient to determine the role of this variant in disease. Therefore, it has been classified as a Variant of Uncertain Significance. Algorithms developed to predict the effect of missense changes on protein structure and function are either unavailable or do not agree on the potential impact of this missense change (SIFT: "Not Available"; PolyPhen-2: "Probably Damaging"; Align-GVGD: "Not Available"). This variant has not been reported in the literature in individuals affected with VPS13D-related conditions. This variant is not present in population databases (gnomAD no frequency). This sequence change replaces phenylalanine, which is neutral and non-polar, with valine, which is neutral and non-polar, at codon 3592 of the VPS13D protein (p.Phe3592Val).